The following is an entry in ClinVar:

ClinVar aggregate classification (germline): Uncertain significance. Review status: criteria provided, multiple submitters, no conflicts (2 of 4 stars). 2 submissions from 2 submitters: Uncertain significance (2). Last evaluated 2022-10-31.

Conditions:
Methylmalonic acidemia with homocystinuria, type cblJ (MAHCJ). Also called: METHYLMALONIC ACIDURIA AND HOMOCYSTINURIA, cblJ TYPE. Identifiers: Orphanet 369955, MedGen C3553915, MONDO:0013925, OMIM 614857.

Allele frequency attached by ClinVar (database versions not stated): gnomAD exomes below 0.00001; gnomAD 0.00001.

Submissions (2):

GeneDx
Classification: Uncertain significance. Last evaluated: 2022-10-31. Review status: criteria provided, single submitter. Criteria: GeneDx Variant Classification Process June 2021. Collection method: clinical testing. Allele origin: germline. Affected: yes.
Comment: Not observed at significant frequency in large population cohorts (gnomAD); In silico analysis supports that this missense variant has a deleterious effect on protein structure/function; Has not been previously published as pathogenic or benign to our knowledge

Labcorp Genetics (formerly Invitae), Labcorp
Classification: Uncertain significance for Methylmalonic acidemia with homocystinuria, type cblJ. Last evaluated: 2021-11-30. Review status: criteria provided, single submitter. Criteria: Invitae Variant Classification Sherloc (09022015). Collection method: clinical testing. Allele origin: germline.
Comment: In summary, the available evidence is currently insufficient to determine the role of this variant in disease. Therefore, it has been classified as a Variant of Uncertain Significance. Advanced modeling of protein sequence and biophysical properties (such as structural, functional, and spatial information, amino acid conservation, physicochemical variation, residue mobility, and thermodynamic stability) performed at Invitae indicates that this missense variant is expected to disrupt ABCD4 protein function. This variant has not been reported in the literature in individuals affected with ABCD4-related conditions. This variant is present in population databases (no rsID available, gnomAD 0.002%). This sequence change replaces tyrosine, which is neutral and polar, with histidine, which is basic and polar, at codon 130 of the ABCD4 protein (p.Tyr130His).

NM_005050.4(ABCD4):c.388T>C (p.Tyr130His)

Gene: ABCD4 (ATP binding cassette subfamily D member 4; minus strand). Cytogenetic location: 14q24.3.
Variant type: single nucleotide variant.
Coding change: c.388T>C on transcript NM_005050.4 (MANE Select); coding-DNA position 388, T replaced by C.
Protein change: p.Tyr130His; replaces tyrosine 130 with histidine.
Molecular consequence: missense variant. On other transcripts: 5 prime UTR variant (12), non-coding transcript variant (8), intron variant (5).
Genome position (GRCh38, 1-based): chr14:74,297,967, A>G on the plus strand (T>C on the coding strand, the complement: ABCD4 is on the minus strand). VCF-style: chr14-74297967-A-G. GRCh37 (hg19) VCF-style: chr14-74764670-A-G.
Other names: c.388T>C, p.Tyr130His (NM_001353591.2, NM_001353592.2, NM_020325.3); c.127T>C, p.Tyr43His (NM_001353593.2, NM_001353594.2); c.-22T>C (NM_001353595.2, NM_001353596.2, NM_001353597.2); c.-90T>C (NM_001353598.2, NM_001353600.2); c.-302T>C (NM_001353602.2); c.-307T>C (NM_001353603.2, NM_001353605.2, NM_001353606.2 and 3 more transcripts); c.-269-1518T>C (NM_001353604.2); c.-52-1518T>C (NM_001353601.2, NM_020324.3, NM_001353599.2); and 1 more; short protein forms Y43H, Y130H.
Identifiers: ClinVar variation 1423064 (VCV001423064.7), dbSNP rs1349388678, ClinGen allele CA390378686.
Genomic context (GRCh38, chr14:74,297,967, plus strand): 5'-AAGGACTGAGTTGGGGCGCCTACGGGTTATCGATGTCATCCCGCAGCACGTTGAGGGTGT[A>G]GTACGCACGGCCCCGGAAGTAGAGGCGGTGAAGGTGCTCAGTGAGGTCCTTCCTCCAGCT-3'
Protein context (NP_005041.1, residues 120-140): HRLYFRGRAY[Tyr130His]TLNVLRDDID